The following is an entry in ClinVar:

NM_006828.4(ASCC3):c.5048T>A (p.Val1683Asp)

Gene: ASCC3 (activating signal cointegrator 1 complex subunit 3; minus strand). Cytogenetic location: 6q16.3.
Variant type: single nucleotide variant.
Coding change: c.5048T>A on transcript NM_006828.4 (MANE Select); coding-DNA position 5048, T replaced by A.
Protein change: p.Val1683Asp; replaces valine 1683 with aspartic acid.
Molecular consequence: missense variant.
Genome position (GRCh38, 1-based): chr6:100,605,697, A>T on the plus strand (T>A on the coding strand, the complement: ASCC3 is on the minus strand). VCF-style: chr6-100605697-A-T. GRCh37 (hg19) VCF-style: chr6-101053573-A-T.
Other names: short protein forms V1683D.
Identifiers: ClinVar variation 4881130 (VCV004881130.2).

ClinVar aggregate classification (germline): Uncertain significance (1 of 4 stars; one submission).

Submission:

Dasa
Classification: Uncertain significance. Last evaluated: 2024-12-06. Review status: criteria provided, single submitter. Criteria: DASA Assertion Criteria. Collection method: clinical testing. Allele origin: germline.
Comment: NM_006828.4(ASCC3):c.5048T>A (p.Val1683Asp) is a missense variant that results in the substitution of valine with aspartic acid. This variant is absent from population databases. Computational prediction algorithms are consistent with a deleterious effect. The currently available literature and clinical evidence are not sufficient to establish a definitive association between this variant and the reported condition. Therefore, this variant is classified as a variant of uncertain significance.